The following is an entry in ClinVar:

NM_001367805.3(KIF23):c.76G>A (p.Val26Ile)

Gene: KIF23 (kinesin family member 23; plus strand). Cytogenetic location: 15q23.
Variant type: single nucleotide variant.
Coding change: c.76G>A on transcript NM_001367805.3 (MANE Select); coding-DNA position 76, G replaced by A.
Protein change: p.Val26Ile; replaces valine 26 with isoleucine.
Molecular consequence: missense variant. On other transcripts: 5 prime UTR variant (1), non-coding transcript variant (2).
Genome position (GRCh38, 1-based): chr15:69,416,058, G>A. VCF-style: chr15-69416058-G-A. GRCh37 (hg19) VCF-style: chr15-69708397-G-A.
Other names: c.-118G>A (NM_001281301.2); c.76G>A, p.Val26Ile (NM_001367804.2, NM_004856.7, NM_138555.4); short protein forms V26I.
Identifiers: ClinVar variation 2175905 (VCV002175905.5), dbSNP rs139012996, ClinGen allele CA7634786.

ClinVar aggregate classification (germline): Conflicting classifications of pathogenicity. Review status: criteria provided, conflicting classifications (1 of 4 stars). 2 submissions from 2 submitters: Uncertain significance (1); Likely benign (1). Last evaluated 2025-12-30.

Allele frequency attached by ClinVar (database versions not stated): TOPMed 0.00012; ExAC 0.00014; ESP Exome Variant Server 0.00015; gnomAD 0.00017; gnomAD exomes 0.00027.
gnomAD v4.1: 401 of 1,572,286 alleles (0.026%); highest among the groups gnomAD compares: Non-Finnish European, 0.033%; no homozygotes.

Submissions (2):

Labcorp Genetics (formerly Invitae), Labcorp
Classification: Uncertain significance. Last evaluated: 2025-12-30. Review status: criteria provided, single submitter. Criteria: Invitae Variant Classification Sherloc (09022015). Collection method: clinical testing. Allele origin: germline.
Comment: This sequence change replaces valine, which is neutral and non-polar, with isoleucine, which is neutral and non-polar, at codon 26 of the KIF23 protein (p.Val26Ile). This variant is present in population databases (rs139012996, gnomAD 0.02%). This variant has not been reported in the literature in individuals affected with KIF23-related conditions. ClinVar contains an entry for this variant (Variation ID: 2175905). Invitae Evidence Modeling of protein sequence and biophysical properties (such as structural, functional, and spatial information, amino acid conservation, physicochemical variation, residue mobility, and thermodynamic stability) indicates that this missense variant is not expected to disrupt KIF23 protein function with a negative predictive value of 80%. In summary, the available evidence is currently insufficient to determine the role of this variant in disease. Therefore, it has been classified as a Variant of Uncertain Significance.

Blueprint Genetics
Classification: Likely benign. Last evaluated: 2024-06-27. Review status: criteria provided, single submitter. Criteria: ACMG Guidelines, 2015. Collection method: clinical testing. Allele origin: germline.